The following is an entry in ClinVar:

ClinVar aggregate classification (germline): Pathogenic (1 of 4 stars; one submission).

Submission:

Labcorp Genetics (formerly Invitae), Labcorp
Classification: Pathogenic. Last evaluated: 2025-12-02. Review status: criteria provided, single submitter. Criteria: Invitae Variant Classification Sherloc (09022015). Collection method: clinical testing. Allele origin: germline.
Comment: This sequence change affects a donor splice site in intron 8 of the SMARCB1 gene. It is expected to disrupt RNA splicing. Variants that disrupt the donor or acceptor splice site typically lead to a loss of protein function (PMID: 16199547), and loss-of-function variants in SMARCB1 are known to be pathogenic (PMID: 10521299, 21208904). This variant is not present in population databases (gnomAD no frequency). Disruption of this splice site has been observed in individuals with schwannomatosis (PMID: 19912265, 30576819, 35446994). It has also been observed to segregate with disease in related individuals. ClinVar contains an entry for this variant (Variation ID: 464317). Studies have shown that disruption of this splice site is associated with altered splicing resulting in multiple RNA products (internal data). For these reasons, this variant has been classified as Pathogenic.

Literature cited by the submitters: PubMed 16199547; PubMed 10521299; PubMed 21208904; PubMed 19912265; PubMed 30576819; PubMed 35446994.

NM_003073.5(SMARCB1):c.1118+1G>A

Gene: SMARCB1 (SWI/SNF related BAF chromatin remodeling complex subunit B1; plus strand). Cytogenetic location: 22q11.23.
Variant type: single nucleotide variant.
Coding change: c.1118+1G>A on transcript NM_003073.5 (MANE Select); the canonical splice donor site of the intron after coding-DNA position 1118, G replaced by A.
Molecular consequence: splice donor variant.
Genome position (GRCh38, 1-based): chr22:23,833,704, G>A. VCF-style: chr22-23833704-G-A. GRCh37 (hg19) VCF-style: chr22-24175891-G-A.
Other names: c.1172+1G>A (NM_001362877.2); c.1145+1G>A (NM_001317946.2); c.1091+1G>A (NM_001007468.3).
Identifiers: ClinVar variation 464317 (VCV000464317.10), dbSNP rs1555881586, ClinGen allele CA410914174.